The following is an entry in ClinVar:

ClinVar aggregate classification (germline): Pathogenic/Likely pathogenic. Review status: criteria provided, multiple submitters, no conflicts (2 of 4 stars). 2 submissions from 2 submitters: Pathogenic (1); Likely pathogenic (1). Last evaluated 2024-02-25.

Conditions:
Glutaric aciduria, type 1. Also called: Glutaric acidemia type I; Glutaric Acidemia Type 1; GA I; Glutaricacidemia Type 1; Glutaryl-CoA dehydrogenase deficiency; Glutaricaciduria, type I. Identifiers: Orphanet 25, MedGen C0268595, MONDO:0009281, OMIM 231670.

Submissions (2):

Labcorp Genetics (formerly Invitae), Labcorp
Classification: Pathogenic for Glutaric aciduria, type 1. Last evaluated: 2024-02-25. Review status: criteria provided, single submitter. Criteria: Invitae Variant Classification Sherloc (09022015). Collection method: clinical testing. Allele origin: germline.
Comment: This sequence change replaces alanine, which is neutral and non-polar, with threonine, which is neutral and polar, at codon 219 of the GCDH protein (p.Ala219Thr). This variant is not present in population databases (gnomAD no frequency). This missense change has been observed in individual(s) with glutaric acidemia type I (PMID: 11058907). In at least one individual the data is consistent with being in trans (on the opposite chromosome) from a pathogenic variant. ClinVar contains an entry for this variant (Variation ID: 855324). Advanced modeling of protein sequence and biophysical properties (such as structural, functional, and spatial information, amino acid conservation, physicochemical variation, residue mobility, and thermodynamic stability) performed at Invitae indicates that this missense variant is expected to disrupt GCDH protein function with a positive predictive value of 80%. For these reasons, this variant has been classified as Pathogenic.

Baylor Genetics
Classification: Likely pathogenic for Glutaric aciduria, type 1. Last evaluated: 2024-02-13. Review status: criteria provided, single submitter. Criteria: ACMG Guidelines, 2015. Collection method: clinical testing. Allele origin: unknown.

Literature cited by the submitters: PubMed 11058907 (cited by Labcorp Genetics (formerly Invitae), Labcorp).

NM_000159.4(GCDH):c.655G>A (p.Ala219Thr)

Gene: GCDH (glutaryl-CoA dehydrogenase; plus strand). Cytogenetic location: 19p13.13.
Variant type: single nucleotide variant.
Coding change: c.655G>A on transcript NM_000159.4 (MANE Select); coding-DNA position 655, G replaced by A.
Protein change: p.Ala219Thr; replaces alanine 219 with threonine.
Molecular consequence: missense variant. On other transcripts: non-coding transcript variant (1).
Genome position (GRCh38, 1-based): chr19:12,896,224, G>A. VCF-style: chr19-12896224-G-A. GRCh37 (hg19) VCF-style: chr19-13007038-G-A.
Other names: c.655G>A, p.Ala219Thr (NM_013976.5); short protein forms A219T.
Identifiers: ClinVar variation 855324 (VCV000855324.12), dbSNP rs1970675055, ClinGen allele CA404318505.